The following is an entry in ClinVar:

NM_020366.4(RPGRIP1):c.1856C>T (p.Ser619Phe)

Gene: RPGRIP1 (RPGR interacting protein 1; plus strand). Cytogenetic location: 14q11.2.
Variant type: single nucleotide variant.
Coding change: c.1856C>T on transcript NM_020366.4 (MANE Select); coding-DNA position 1856, C replaced by T.
Protein change: p.Ser619Phe; replaces serine 619 with phenylalanine.
Molecular consequence: missense variant. On other transcripts: intron variant (3).
Genome position (GRCh38, 1-based): chr14:21,324,711, C>T. VCF-style: chr14-21324711-C-T. GRCh37 (hg19) VCF-style: chr14-21792870-C-T.
Other names: c.782C>T, p.Ser261Phe (NM_001377948.1, NM_001377949.1); c.688+2707C>T (NM_001377523.1, NM_001377950.1); c.190+2707C>T (NM_001377951.1); short protein forms S261F, S619F.
Identifiers: ClinVar variation 1025655 (VCV001025655.6), dbSNP rs779121574, ClinGen allele CA7089108.

ClinVar aggregate classification (germline): Uncertain significance (1 of 4 stars; one submission).

Conditions:
Cone-rod dystrophy 13 (CORD13). Identifiers: Orphanet 1872, MedGen C2750720, MONDO:0011987, OMIM 608194.
Leber congenital amaurosis 6 (LCA6). Identifiers: Orphanet 65, MedGen C1854260, MONDO:0013446, OMIM 613826.

Allele frequency attached by ClinVar (database versions not stated): ExAC 0.00001; gnomAD 0.00001; gnomAD exomes 0.00001.
gnomAD v4.1: 7 of 1,613,918 alleles (0.00043%); highest among the groups gnomAD compares: Middle Eastern, 0.016%; no homozygotes.

Submission:

Labcorp Genetics (formerly Invitae), Labcorp
Classification: Uncertain significance for Leber congenital amaurosis 6; Cone-rod dystrophy 13. Last evaluated: 2021-06-19. Review status: criteria provided, single submitter. Criteria: Invitae Variant Classification Sherloc (09022015). Collection method: clinical testing. Allele origin: germline.
Comment: This variant has not been reported in the literature in individuals with RPGRIP1-related conditions. This variant is present in population databases (rs779121574, ExAC 0.01%). This sequence change replaces serine with phenylalanine at codon 619 of the RPGRIP1 protein (p.Ser619Phe). The serine residue is highly conserved and there is a large physicochemical difference between serine and phenylalanine. Algorithms developed to predict the effect of missense changes on protein structure and function (SIFT, PolyPhen-2, Align-GVGD) all suggest that this variant is likely to be disruptive, but these predictions have not been confirmed by published functional studies and their clinical significance is uncertain. In summary, the available evidence is currently insufficient to determine the role of this variant in disease. Therefore, it has been classified as a Variant of Uncertain Significance.